The following is an entry in ClinVar:

ClinVar aggregate classification (germline): Uncertain significance (1 of 4 stars; one submission).

Allele frequency attached by ClinVar (database versions not stated): TOPMed below 0.00001; ExAC 0.00001; gnomAD exomes 0.00001 and 0.00002.
gnomAD v4.1: 5 of 1,612,918 alleles (0.00031%); highest among the groups gnomAD compares: Admixed American, 0.0083%; no homozygotes.

Submission:

Labcorp Genetics (formerly Invitae), Labcorp
Classification: Uncertain significance. Last evaluated: 2025-12-08. Review status: criteria provided, single submitter. Criteria: Invitae Variant Classification Sherloc (09022015). Collection method: clinical testing. Allele origin: germline.
Comment: This sequence change replaces serine, which is neutral and polar, with glycine, which is neutral and non-polar, at codon 2248 of the CELSR2 protein (p.Ser2248Gly). This variant is present in population databases (rs778255682, gnomAD 0.02%). This variant has not been reported in the literature in individuals affected with CELSR2-related conditions. ClinVar contains an entry for this variant (Variation ID: 1499381). Invitae Evidence Modeling of protein sequence and biophysical properties (such as structural, functional, and spatial information, amino acid conservation, physicochemical variation, residue mobility, and thermodynamic stability) indicates that this missense variant is not expected to disrupt CELSR2 protein function with a negative predictive value of 80%. In summary, the available evidence is currently insufficient to determine the role of this variant in disease. Therefore, it has been classified as a Variant of Uncertain Significance.

NM_001408.3(CELSR2):c.6742A>G (p.Ser2248Gly)

Gene: CELSR2 (cadherin EGF LAG seven-pass G-type receptor 2; plus strand). Cytogenetic location: 1p13.3.
Variant type: single nucleotide variant.
Coding change: c.6742A>G on transcript NM_001408.3 (MANE Select); coding-DNA position 6742, A replaced by G.
Protein change: p.Ser2248Gly; replaces serine 2248 with glycine.
Molecular consequence: missense variant.
Genome position (GRCh38, 1-based): chr1:109,269,220, A>G. VCF-style: chr1-109269220-A-G. GRCh37 (hg19) VCF-style: chr1-109811842-A-G.
Other names: short protein forms S2248G.
Identifiers: ClinVar variation 1499381 (VCV001499381.6), dbSNP rs778255682, ClinGen allele CA987981.
Genomic context (GRCh38, chr1:109,269,220, plus strand): 5'-GAGGAGCTGGCACGGCGACAGCGACGGCACCCGGAGCTGAGCCAGGGTGAGGCTGTGGCC[A>G]GCGTCATCATCTACCGCACCCTGGCCGGGCTACTGCCTCATAACTATGACCCTGACAAGC-3'
Protein context (NP_001399.1, residues 2238-2258): PELSQGEAVA[Ser2248Gly]VIIYRTLAGL